The following is an entry in ClinVar:

NM_001365536.1(SCN9A):c.320A>G (p.Tyr107Cys)

Gene: SCN9A (sodium voltage-gated channel alpha subunit 9; minus strand). Cytogenetic location: 2q24.3.
Variant type: single nucleotide variant.
Coding change: c.320A>G on transcript NM_001365536.1 (MANE Select); coding-DNA position 320, A replaced by G.
Protein change: p.Tyr107Cys; replaces tyrosine 107 with cysteine.
Molecular consequence: missense variant.
Genome position (GRCh38, 1-based): chr2:166,307,013, T>C on the plus strand (A>G on the coding strand, the complement: SCN9A is on the minus strand). VCF-style: chr2-166307013-T-C. GRCh37 (hg19) VCF-style: chr2-167163523-T-C.
Other names: c.320A>G, p.Tyr107Cys (NM_002977.4); short protein forms Y107C.
Identifiers: ClinVar variation 2951951 (VCV002951951.3), dbSNP rs762510204, ClinGen allele CA1944825.

ClinVar aggregate classification (germline): Uncertain significance (1 of 4 stars; one submission).

Conditions:
Neuropathy, hereditary sensory and autonomic, type 2A (HSAN2A). Also called: ACROOSTEOLYSIS, GIACCAI TYPE; ACROOSTEOLYSIS, NEUROGENIC; MORVAN DISEASE; NEUROPATHY, CONGENITAL SENSORY; NEUROPATHY, HEREDITARY SENSORY RADICULAR, AUTOSOMAL RECESSIVE; NEUROPATHY, HEREDITARY SENSORY, TYPE IIA. Identifiers: Orphanet 970, MedGen C2752089, MONDO:0024309, OMIM 201300.
Generalized epilepsy with febrile seizures plus, type 7 (GEFSP7). Also called: GEFS+, TYPE 7. Identifiers: Orphanet 36387, MedGen C2751778, MONDO:0013470, OMIM 613863.

Allele frequency attached by ClinVar (database versions not stated): gnomAD exomes below 0.00001; ExAC 0.00001; gnomAD 0.00001; 1000 Genomes Project 30x 0.00016.
gnomAD v4.1: 5 of 1,612,028 alleles (0.00031%); highest among the groups gnomAD compares: East Asian, 0.0022%; no homozygotes.

Submission:

Labcorp Genetics (formerly Invitae), Labcorp
Classification: Uncertain significance for Neuropathy, hereditary sensory and autonomic, type 2A; Generalized epilepsy with febrile seizures plus, type 7. Last evaluated: 2023-12-22. Review status: criteria provided, single submitter. Criteria: Invitae Variant Classification Sherloc (09022015). Collection method: clinical testing. Allele origin: germline.
Comment: This sequence change replaces tyrosine, which is neutral and polar, with cysteine, which is neutral and slightly polar, at codon 107 of the SCN9A protein (p.Tyr107Cys). This variant is present in population databases (rs762510204, gnomAD 0.006%). This variant has not been reported in the literature in individuals affected with SCN9A-related conditions. Advanced modeling of protein sequence and biophysical properties (such as structural, functional, and spatial information, amino acid conservation, physicochemical variation, residue mobility, and thermodynamic stability) performed at Invitae indicates that this missense variant is not expected to disrupt SCN9A protein function with a negative predictive value of 95%. In summary, the available evidence is currently insufficient to determine the role of this variant in disease. Therefore, it has been classified as a Variant of Uncertain Significance.